The following is an entry in ClinVar:

ClinVar aggregate classification (germline): Pathogenic (1 of 4 stars; one submission).

Conditions:
Ataxia-telangiectasia syndrome (AT). Also called: Ataxia-telangiectasia, complementation group E; Ataxia telangiectasia (A-T); LOUIS-BAR SYNDROME; Ataxia-telangiectasia, complementation group D; AT, COMPLEMENTATION GROUP C; Ataxia-telangiectasia. Identifiers: Orphanet 100, MedGen C0004135, MONDO:0008840, OMIM 208900.

Submission:

Labcorp Genetics (formerly Invitae), Labcorp
Classification: Pathogenic for Ataxia-telangiectasia syndrome. Last evaluated: 2019-06-11. Review status: criteria provided, single submitter. Criteria: Invitae Variant Classification Sherloc (09022015). Collection method: clinical testing. Allele origin: germline.
Comment: This variant is an out-of-frame deletion of the genomic region encompassing exons 24-27 of the ATM gene. This is expected to create a premature translational stop signal and result in an absent or disrupted protein product. This variant has not been reported in the literature in individuals with ATM-related conditions. Loss-of-function variants in ATM are known to be pathogenic (PMID: 23807571, 25614872). For these reasons, this variant has been classified as Pathogenic.

Literature cited by the submitters: PubMed 23807571; PubMed 25614872.

NC_000011.10:g.(?_108280985)_(108287725_?)del

Gene: ATM (ATM serine/threonine kinase; plus strand). Cytogenetic location: 11q22.3.
Variant type: Deletion.
Identifiers: ClinVar variation 832969 (VCV000832969.5).